The following is an entry in ClinVar:

NM_006904.7(PRKDC):c.5709G>A (p.Ser1903=)

Gene: PRKDC (protein kinase, DNA-activated, catalytic subunit; minus strand). Cytogenetic location: 8q11.21.
Variant type: single nucleotide variant.
Coding change: c.5709G>A on transcript NM_006904.7 (MANE Select); coding-DNA position 5709, G replaced by A.
Protein change: p.Ser1903=; no amino-acid change (serine 1903 retained).
Molecular consequence: synonymous variant.
Genome position (GRCh38, 1-based): chr8:47,863,440, C>T on the plus strand (G>A on the coding strand, the complement: PRKDC is on the minus strand). VCF-style: chr8-47863440-C-T. GRCh37 (hg19) VCF-style: chr8-48776001-C-T.
Other names: c.5709G>A, p.Ser1903= (NM_001081640.2).
Identifiers: ClinVar variation 784707 (VCV000784707.36), dbSNP rs200137917, ClinGen allele CA4740585.

ClinVar aggregate classification (germline): Likely benign. Review status: criteria provided, multiple submitters, no conflicts (2 of 4 stars). 4 submissions from 4 submitters: Likely benign (4). Last evaluated 2026-02-01.

Conditions:
Severe combined immunodeficiency due to DNA-PKcs deficiency. Also called: IMMUNODEFICIENCY 26 WITH NEUROLOGIC ABNORMALITIES; Immunodeficiency 26 with or without neurologic abnormalities. Identifiers: Orphanet 317425, MedGen C4014833, MONDO:0014423, OMIM 615966.

Allele frequency attached by ClinVar (database versions not stated): 1000 Genomes Project 30x 0.00016; 1000 Genomes Project 0.00020; gnomAD 0.00052; ExAC 0.00053; TOPMed 0.00055.
gnomAD v4.1: 981 of 1,611,338 alleles (0.061%); highest among the groups gnomAD compares: Middle Eastern, 0.55%; 1 homozygote.

Submissions (4):

CeGaT Center for Human Genetics Tuebingen
Classification: Likely benign. Last evaluated: 2026-02-01. Review status: criteria provided, single submitter. Criteria: CeGaT Center For Human Genetics Tuebingen Variant Classification Criteria Version 2. Collection method: clinical testing. Allele origin: germline. Affected: yes. Observed: 6 variant alleles.
Comment: PRKDC: BP4, BP7

Labcorp Genetics (formerly Invitae), Labcorp
Classification: Likely benign for Severe combined immunodeficiency due to DNA-PKcs deficiency. Last evaluated: 2026-01-27. Review status: criteria provided, single submitter. Criteria: Invitae Variant Classification Sherloc (09022015). Collection method: clinical testing. Allele origin: germline.

Blueprint Genetics
Classification: Likely benign. Last evaluated: 2024-11-25. Review status: criteria provided, single submitter. Criteria: ACMG Guidelines, 2015. Collection method: clinical testing. Allele origin: germline.

Breakthrough Genomics
Classification: Likely benign. Review status: criteria provided, single submitter. Criteria: ACMG Guidelines, 2015. Collection method: not provided. Allele origin: germline. Inheritance: Autosomal recessive inheritance. Affected: yes.